The following is an entry in ClinVar:

NM_020686.6(ABAT):c.1148T>A (p.Leu383Gln)

Gene: ABAT (4-aminobutyrate aminotransferase; plus strand). Cytogenetic location: 16p13.2.
Variant type: single nucleotide variant.
Coding change: c.1148T>A on transcript NM_020686.6 (MANE Select); coding-DNA position 1148, T replaced by A.
Protein change: p.Leu383Gln; replaces leucine 383 with glutamine.
Molecular consequence: missense variant.
Genome position (GRCh38, 1-based): chr16:8,776,369, T>A. VCF-style: chr16-8776369-T-A. GRCh37 (hg19) VCF-style: chr16-8870226-T-A.
Other names: c.1055T>A, p.Leu352Gln (NM_001386608.1); c.1148T>A, p.Leu383Gln (NM_001386609.1, NM_001386616.1, NM_000663.5 and 6 more transcripts); c.1013T>A, p.Leu338Gln (NM_001386610.1, NM_001386611.1); c.950T>A, p.Leu317Gln (NM_001386612.1, NM_001386613.1); c.902T>A, p.Leu301Gln (NM_001386614.1); c.1244T>A, p.Leu415Gln (NM_001386615.1); c.1109T>A, p.Leu370Gln (NM_001386605.1); c.1085T>A, p.Leu362Gln (NM_001386606.1, NM_001386607.1); short protein forms L383Q, L301Q, L338Q, L352Q, L362Q, L415Q, L317Q, L370Q.
Identifiers: ClinVar variation 1429317 (VCV001429317.8), dbSNP rs2142998232, ClinGen allele CA394690187.

ClinVar aggregate classification (germline): Uncertain significance (1 of 4 stars; one submission).

Conditions:
Gamma-aminobutyric acid transaminase deficiency (GABATD). Also called: GABA transaminase deficiency; Gamma aminobutyrate transaminase deficiency; 4 alpha aminobutyrate transaminase deficiency; GABA aminotransaminase deficiency. Identifiers: Orphanet 2066, MedGen C0342708, MONDO:0013166, OMIM 613163.

Allele frequency attached by ClinVar (database versions not stated): gnomAD exomes below 0.00001.
gnomAD v4.1: 2 of 1,614,248 alleles (0.00012%); highest among the groups gnomAD compares: Non-Finnish European, 0.00017%; no homozygotes.

Submission:

Labcorp Genetics (formerly Invitae), Labcorp
Classification: Uncertain significance for Gamma-aminobutyric acid transaminase deficiency. Last evaluated: 2023-04-24. Review status: criteria provided, single submitter. Criteria: Invitae Variant Classification Sherloc (09022015). Collection method: clinical testing. Allele origin: germline.
Comment: In summary, the available evidence is currently insufficient to determine the role of this variant in disease. Therefore, it has been classified as a Variant of Uncertain Significance. Advanced modeling of protein sequence and biophysical properties (such as structural, functional, and spatial information, amino acid conservation, physicochemical variation, residue mobility, and thermodynamic stability) has been performed at Invitae for this missense variant, however the output from this modeling did not meet the statistical confidence thresholds required to predict the impact of this variant on ABAT protein function. ClinVar contains an entry for this variant (Variation ID: 1429317). This variant has not been reported in the literature in individuals affected with ABAT-related conditions. This variant is not present in population databases (gnomAD no frequency). This sequence change replaces leucine, which is neutral and non-polar, with glutamine, which is neutral and polar, at codon 383 of the ABAT protein (p.Leu383Gln).